The following is an entry in ClinVar:

NM_182894.3(VSX2):c.599G>A (p.Arg200Gln)

Gene: VSX2 (visual system homeobox 2; plus strand). Cytogenetic location: 14q24.3.
Variant type: single nucleotide variant.
Coding change: c.599G>A on transcript NM_182894.3 (MANE Select); coding-DNA position 599, G replaced by A.
Protein change: p.Arg200Gln; replaces arginine 200 with glutamine.
Molecular consequence: missense variant.
Genome position (GRCh38, 1-based): chr14:74,259,621, G>A. VCF-style: chr14-74259621-G-A. GRCh37 (hg19) VCF-style: chr14-74726324-G-A.
Other names: c.599G>A (NM_182894.2); short protein forms R200Q.
Identifiers: ClinVar variation 14860 (VCV000014860.9), dbSNP rs121912543, ClinGen allele CA124412.

ClinVar aggregate classification (germline): Pathogenic/Likely pathogenic. Review status: criteria provided, multiple submitters, no conflicts (2 of 4 stars). 4 submissions from 4 submitters: Pathogenic (2); Likely pathogenic (1). 1 of the submissions does not count toward it. Last evaluated 2026-06-05.

Conditions:
Microphthalmia. Also called: Microphthalmos. Identifiers: MedGen C0026010, MONDO:0021129, HP:0000568.
Isolated microphthalmia 2. Identifiers: Orphanet 2542, MedGen C1864720, MONDO:0012409, OMIM 610093.
Microphthalmia, isolated, with coloboma 3 (MCOPCB3). Also called: MICROPHTHALMIA, COLOBOMATOUS, 3; MICROPHTHALMIA/COLOBOMA 3. Identifiers: Orphanet 98938, MedGen C1864721, MONDO:0012408, OMIM 610092.
Microphthalmia, cataracts, and iris abnormalities. Identifiers: MedGen C1864722.

Allele frequency attached by ClinVar (database versions not stated): gnomAD 0.00001; TOPMed 0.00001.
gnomAD v4.1: 4 of 1,614,024 alleles (0.00025%); highest among the groups gnomAD compares: African/African-American, 0.0027%; no homozygotes.

Submissions (4):

Myriad Genetics, Inc.
Classification: Likely pathogenic for Microphthalmia, isolated, with coloboma 3. Last evaluated: 2026-06-05. Review status: criteria provided, single submitter. Criteria: Myriad Autosomal Dominant, Autosomal Recessive and X-Linked Classification Criteria (2023). Collection method: clinical testing. Allele origin: unknown.
Comment: NM_182894.2(VSX2):c.599G>A(R200Q) is a missense variant classified as likely pathogenic in the context of microphthalmia, anophthalmia, and coloboma, VSX2-related. R200Q has been observed in a case with relevant disease (PMID: 10932181). Relevant functional assessments of this variant are available in the literature (PMID: 10932181, 17919464, 23028343, 27013732). Internal structural analysis of the variant is supportive of pathogenicity. R200Q has been observed in referenced population frequency databases. In summary, NM_182894.2(VSX2):c.599G>A(R200Q) is a missense variant that has both functional and internal structural support for pathogenicity and has been observed more frequently in cases with the relevant disease than in healthy populations. Please note: this variant was assessed in the context of healthy population screening.

Natera, Inc.
Classification: Pathogenic for Microphthalmia. Last evaluated: 2025-06-08. Review status: criteria provided, single submitter. Criteria: Natera Variant Classification Schema (03/2026). Collection method: clinical testing. Allele origin: germline.
Comment: The c.599G>A variant in VSX2 is a missense variant predicted to cause substitution of arginine to glutamine at amino acid 200. This variant is rare in the general population with a frequency below the threshold expected for the associated phenotype(s). This variant has been observed in one or more individuals affected with the associated recessive disease, as either homozygous or compound heterozygous with a second variant (PMID: 10932181, 24532057). Additionally, this variant has been observed to segregate in affected family members (PMID: 10932181). Functional studies show that this variant may disrupt protein function (PMID: 23028343, 24532057). A different variant at the same position has been determined to be Pathogenic or Likely Pathogenic. Computational prediction algorithms indicate this variant is likely to affect gene or protein function. Given the available evidence, this variant is classified as Pathogenic.

Labcorp Genetics (formerly Invitae), Labcorp
Classification: Pathogenic for Isolated microphthalmia 2. Last evaluated: 2022-03-02. Review status: criteria provided, single submitter. Criteria: Invitae Variant Classification Sherloc (09022015). Collection method: clinical testing. Allele origin: germline.
Comment: For these reasons, this variant has been classified as Pathogenic. Experimental studies have shown that this missense change affects VSX2 function (PMID: 10932181, 23028343, 27013732). This variant disrupts the p.Arg200 amino acid residue in VSX2. Other variant(s) that disrupt this residue have been determined to be pathogenic (PMID: 10932181, 17661825). This suggests that this residue is clinically significant, and that variants that disrupt this residue are likely to be disease-causing. This sequence change replaces arginine, which is basic and polar, with glutamine, which is neutral and polar, at codon 200 of the VSX2 protein (p.Arg200Gln). This variant is present in population databases (rs121912543, gnomAD 0.01%). This missense change has been observed in individual(s) with microphthalmia (PMID: 10932181). It has also been observed to segregate with disease in related individuals. ClinVar contains an entry for this variant (Variation ID: 14860). Algorithms developed to predict the effect of missense changes on protein structure and function (SIFT, PolyPhen-2, Align-GVGD) all suggest that this variant is likely to be disruptive.

OMIM
Classification: Pathogenic for MICROPHTHALMIA, CATARACTS, AND IRIS ABNORMALITIES. Last evaluated: 2000-08-01. Review status: no assertion criteria provided. Collection method: literature only. Allele origin: germline. Not counted in ClinVar's aggregate classification.

Literature cited by the submitters: PubMed 10932181 (cited by 4 submitters); PubMed 17919464 (cited by Myriad Genetics, Inc.); PubMed 23028343 (cited by 3 submitters); PubMed 27013732 (cited by Myriad Genetics, Inc. and Labcorp Genetics (formerly Invitae), Labcorp); PubMed 24532057 (cited by Natera, Inc.); PubMed 17661825 (cited by Labcorp Genetics (formerly Invitae), Labcorp).